The following is an entry in ClinVar:

NM_138713.4(NFAT5):c.3092A>G (p.His1031Arg)

Gene: NFAT5 (nuclear factor of activated T cells 5; plus strand). Cytogenetic location: 16q22.1.
Variant type: single nucleotide variant.
Coding change: c.3092A>G on transcript NM_138713.4 (MANE Select); coding-DNA position 3092, A replaced by G.
Protein change: p.His1031Arg; replaces histidine 1031 with arginine.
Molecular consequence: missense variant.
Genome position (GRCh38, 1-based): chr16:69,692,917, A>G. VCF-style: chr16-69692917-A-G. GRCh37 (hg19) VCF-style: chr16-69726820-A-G.
Other names: c.3089A>G, p.His1030Arg (NM_001113178.3); c.2417A>G, p.His806Arg (NM_001367709.1); c.3038A>G, p.His1013Arg (NM_006599.4); c.2810A>G, p.His937Arg (NM_138714.4, NM_173214.3, NM_173215.3); short protein forms H806R, H937R, H1013R, H1030R, H1031R.
Identifiers: ClinVar variation 3683909 (VCV003683909.2).

ClinVar aggregate classification (germline): Uncertain significance (1 of 4 stars; one submission).

Conditions:
Immunodeficiency. Identifiers: MedGen C0021051, MONDO:0021094, HP:0002721.

gnomAD v4.1: 5 of 1,614,220 alleles (0.00031%); highest among the groups gnomAD compares: Admixed American, 0.0033%; no homozygotes.

Submission:

Labcorp Genetics (formerly Invitae), Labcorp
Classification: Uncertain significance for Immunodeficiency. Last evaluated: 2024-08-05. Review status: criteria provided, single submitter. Criteria: Invitae Variant Classification Sherloc (09022015). Collection method: clinical testing. Allele origin: germline.
Comment: This sequence change replaces histidine, which is basic and polar, with arginine, which is basic and polar, at codon 937 of the NFAT5 protein (p.His937Arg). This variant is present in population databases (no rsID available, gnomAD 0.003%). This variant has not been reported in the literature in individuals affected with NFAT5-related conditions. An algorithm developed to predict the effect of missense changes on protein structure and function outputs the following: PolyPhen-2: "Benign". The arginine amino acid residue is found in multiple mammalian species, which suggests that this missense change does not adversely affect protein function. In summary, the available evidence is currently insufficient to determine the role of this variant in disease. Therefore, it has been classified as a Variant of Uncertain Significance.